The following is an entry in ClinVar:

ClinVar aggregate classification (germline): Pathogenic (1 of 4 stars; one submission).

Conditions:
Episodic ataxia type 2 (EA2). Also called: ATAXIA, EPISODIC, WITH NYSTAGMUS; ATAXIA, FAMILIAL PAROXYSMAL; ACETAZOLAMIDE-RESPONSIVE HEREDITARY PAROXYSMAL CEREBELLAR ATAXIA; CEREBELLAR ATAXIA, PAROXYSMAL, ACETAZOLAMIDE-RESPONSIVE; CEREBELLOPATHY, HEREDITARY PAROXYSMAL; EPISODIC ATAXIA, NYSTAGMUS-ASSOCIATED. Identifiers: Orphanet 97, MedGen C1720416, MONDO:0007163, OMIM 108500.
Developmental and epileptic encephalopathy, 42 (DEE42A). Also called: Epileptic encephalopathy, early infantile, 42; DEVELOPMENTAL AND EPILEPTIC ENCEPHALOPATHY 42A; EPILEPTIC ENCEPHALOPATHY, EARLY INFANTILE, 42A. Identifiers: MedGen C4310716, MONDO:0014917, OMIM 617106.

Submission:

Labcorp Genetics (formerly Invitae), Labcorp
Classification: Pathogenic for Developmental and epileptic encephalopathy, 42; Episodic ataxia type 2. Last evaluated: 2024-05-21. Review status: criteria provided, single submitter. Criteria: Invitae Variant Classification Sherloc (09022015). Collection method: clinical testing. Allele origin: germline.
Comment: This sequence change creates a premature translational stop signal (p.Thr845Alafs*44) in the CACNA1A gene. It is expected to result in an absent or disrupted protein product. Loss-of-function variants in CACNA1A are known to be pathogenic (PMID: 10371528, 19486177, 25735478, 27250579). This variant is not present in population databases (gnomAD no frequency). This variant has not been reported in the literature in individuals affected with CACNA1A-related conditions. For these reasons, this variant has been classified as Pathogenic.

Literature cited by the submitters: PubMed 10371528; PubMed 19486177; PubMed 25735478; PubMed 27250579.

NM_001127222.2(CACNA1A):c.2530_2542del (p.Thr844fs)

Gene: CACNA1A (calcium voltage-gated channel subunit alpha1 A; minus strand). Cytogenetic location: 19p13.13.
Variant type: Deletion.
Coding change: c.2530_2542del on transcript NM_001127222.2 (MANE Select); coding-DNA positions 2530 to 2542, 13 bases deleted (ACCGTGGACCAGC).
Protein change: p.Thr844fs; shifts the reading frame from threonine 844.
Molecular consequence: frameshift variant.
Genome position (GRCh38, 1-based): chr19:13,299,091-13,299,103, GCTGGTCCACGGT deleted on the plus strand (ACCGTGGACCAGC on the coding strand, the reverse complement: CACNA1A is on the minus strand); deleting any 13 consecutive bases within chr19:13,299,091-13,299,104 gives the same sequence; the c. name uses the placement nearest the transcript's 3' end. VCF-style (leftmost placement, unchanged base first): chr19-13299090-CGCTGGTCCACGGT-C. GRCh37 (hg19) VCF-style: chr19-13409904-CGCTGGTCCACGGT-C.
Other names: c.2542_2554del, p.Thr848fs (NM_000068.4, NM_023035.3); c.2533_2545del, p.Thr845fs (NM_001127221.2, NM_001174080.2); short protein forms T844fs, T845fs, T848fs.
Identifiers: ClinVar variation 3756470 (VCV003756470.2).